The following is an entry in ClinVar:

ClinVar aggregate classification (germline): Pathogenic (1 of 4 stars; one submission).

Submission:

Labcorp Genetics (formerly Invitae), Labcorp
Classification: Pathogenic. Last evaluated: 2022-07-19. Review status: criteria provided, single submitter. Criteria: Invitae Variant Classification Sherloc (09022015). Collection method: clinical testing. Allele origin: germline.
Comment: This sequence change creates a premature translational stop signal (p.Ala2623Hisfs*18) in the USH2A gene. It is expected to result in an absent or disrupted protein product. Loss-of-function variants in USH2A are known to be pathogenic (PMID: 10729113, 10909849, 20507924, 25649381). This variant is not present in population databases (gnomAD no frequency). This premature translational stop signal has been observed in individual(s) with retinitis pigmentosa (PMID: 31370859). ClinVar contains an entry for this variant (Variation ID: 1458445). For these reasons, this variant has been classified as Pathogenic.

Literature cited by the submitters: PubMed 10729113; PubMed 10909849; PubMed 20507924; PubMed 25649381; PubMed 31370859.

NM_206933.4(USH2A):c.7863del (p.Ala2623fs)

Gene: USH2A (usherin; minus strand). Cytogenetic location: 1q41.
Variant type: Deletion.
Coding change: c.7863del on transcript NM_206933.4 (MANE Select); coding-DNA position 7863, one base deleted (A; older notation c.7863delA).
Protein change: p.Ala2623fs; shifts the reading frame from alanine 2623.
Molecular consequence: frameshift variant.
Genome position (GRCh38, 1-based): chr1:215,888,786, T deleted on the plus strand (A on the coding strand, the reverse complement: USH2A is on the minus strand). VCF-style (leftmost placement, unchanged base first): chr1-215888785-CT-C. GRCh37 (hg19) VCF-style: chr1-216062127-CT-C.
Other names: short protein forms A2623fs.
Identifiers: ClinVar variation 1458445 (VCV001458445.7), dbSNP rs2102460377, ClinGen allele CA2573131614.